The following is an entry in ClinVar:

NM_000444.6(PHEX):c.850-2A>G

Gene: PHEX (phosphate regulating endopeptidase X-linked; plus strand). Cytogenetic location: Xp22.11.
Variant type: single nucleotide variant.
Coding change: c.850-2A>G on transcript NM_000444.6 (MANE Select); the canonical splice acceptor site of the intron before coding-DNA position 850, A replaced by G.
Molecular consequence: splice acceptor variant.
Genome position (GRCh38, 1-based): chrX:22,096,953, A>G. VCF-style: chrX-22096953-A-G. GRCh37 (hg19) VCF-style: chrX-22115071-A-G.
Other names: c.850-2A>G (NM_001282754.2).
Identifiers: ClinVar variation 418405 (VCV000418405.15), dbSNP rs1064793226, ClinGen allele CA16621316.

ClinVar aggregate classification (germline): Conflicting classifications of pathogenicity. Review status: criteria provided, conflicting classifications (1 of 4 stars). 3 submissions from 3 submitters: Pathogenic (2); Uncertain significance (1). Last evaluated 2025-09-06.

Conditions:
Familial X-linked hypophosphatemic vitamin D refractory rickets (XLHRD). Also called: X-Linked Hypophosphatemia; Hypophosphatemia, vitamin D-resistant rickets; Vitamin D-resistant rickets, X-linked; Hypophosphatemic Rickets, X-Linked Dominant; HYPOPHOSPHATEMIC VITAMIN D-RESISTANT RICKETS. Identifiers: Orphanet 89936, MedGen C0733682, MONDO:0010619, OMIM 307800.

Submissions (3):

Labcorp Genetics (formerly Invitae), Labcorp
Classification: Pathogenic. Last evaluated: 2025-09-06. Review status: criteria provided, single submitter. Criteria: Invitae Variant Classification Sherloc (09022015). Collection method: clinical testing. Allele origin: germline.
Comment: This sequence change affects an acceptor splice site in intron 7 of the PHEX gene. It is expected to disrupt RNA splicing. Variants that disrupt the donor or acceptor splice site typically lead to a loss of protein function (PMID: 16199547), and loss-of-function variants in PHEX are known to be pathogenic (PMID: 9097956, 9106524, 19219621). This variant is not present in population databases (gnomAD no frequency). Disruption of this splice site has been observed in individuals with PHEX-related conditions (internal data). ClinVar contains an entry for this variant (Variation ID: 418405). Algorithms developed to predict the effect of sequence changes on RNA splicing suggest that this variant may disrupt the consensus splice site. For these reasons, this variant has been classified as Pathogenic.

3billion
Classification: Pathogenic for Familial X-linked hypophosphatemic vitamin D refractory rickets. Last evaluated: 2025-06-20. Review status: criteria provided, single submitter. Criteria: ACMG Guidelines, 2015. Collection method: clinical testing. Allele origin: germline. Affected: yes.
Comment: The variant is not observed in the gnomAD v4.1.0 dataset. Predicted Consequence/Location: Canonical splice site: predicted to alter splicing and result in a loss or disruption of normal protein function. Multiple pathogenic loss-of-function variants are reported downstream of the variant. In silico tools predict the variant to alter splicing and produce an abnormal transcript [SpliceAI: 1.00 (spliceogenicity >=0.2, non-spliceogenicity <0.1)]. The variant has been reported to be associated with PHEX-related disorder (ClinVar ID: VCV000418405 /3billion dataset). Therefore, this variant is classified as Pathogenic according to the recommendation of ACMG/AMP guideline.

GeneDx
Classification: Uncertain significance. Last evaluated: 2017-04-04. Review status: criteria provided, single submitter. Criteria: GeneDx Variant Classification (06012015). Collection method: clinical testing. Allele origin: germline. Affected: yes.
Comment: The c.850-2 A>G variant has not been published as a pathogenic variant, nor has it been reported as a benign variant to our knowledge. The variant is not observed in large population cohorts (Lek et al., 2016; 1000 Genomes Consortium et al., 2015; Exome Variant Server). This variant destroys the canonical splice acceptor site of intron 7; however, the adjacent exon 8 remains in frame. In the absence of RNA/functional studies, the actual effect of this sequence change in this individual is unknown. Therefore, based on the currently available information, it is unclear whether this variant is a pathogenic variant or a rare benign variant.

Literature cited by the submitters: PubMed 16199547 (cited by Labcorp Genetics (formerly Invitae), Labcorp); PubMed 9097956 (cited by Labcorp Genetics (formerly Invitae), Labcorp); PubMed 9106524 (cited by Labcorp Genetics (formerly Invitae), Labcorp); PubMed 19219621 (cited by Labcorp Genetics (formerly Invitae), Labcorp).